The following is an entry in ClinVar:

ClinVar aggregate classification (germline): Conflicting classifications of pathogenicity. Review status: criteria provided, conflicting classifications (1 of 4 stars). 4 submissions from 4 submitters: Uncertain significance (3); Likely benign (1). Last evaluated 2026-01-04.

Conditions:
Hereditary cancer-predisposing syndrome. Also called: Neoplastic Syndromes, Hereditary; Tumor predisposition; Hereditary Cancer Syndrome; Hereditary neoplastic syndrome. Identifiers: Orphanet 140162, MedGen C0027672, MeSH D009386, MONDO:0015356.
Familial adenomatous polyposis 1 (FAP1). Also called: FAMILIAL ADENOMATOUS POLYPOSIS 1, ATTENUATED; POLYPOSIS, ADENOMATOUS INTESTINAL. Identifiers: MedGen C2713442, MONDO:0021056, OMIM 175100. Disease mechanism: loss of function.

Allele frequency attached by ClinVar (database versions not stated): TOPMed 0.00001.
gnomAD v4.1: 7 of 1,003,750 alleles (0.0007%); highest among the groups gnomAD compares: East Asian, 0.0078%; no homozygotes.

Submissions (4):

Labcorp Genetics (formerly Invitae), Labcorp
Classification: Uncertain significance for Familial adenomatous polyposis 1. Last evaluated: 2026-01-04. Review status: criteria provided, single submitter. Criteria: Invitae Variant Classification Sherloc (09022015). Collection method: clinical testing. Allele origin: germline.
Comment: This variant occurs in a non-coding region of the APC gene. It does not change the encoded amino acid sequence of the APC protein. This variant is not present in population databases (gnomAD no frequency). This variant has not been reported in the literature in individuals affected with APC-related conditions. ClinVar contains an entry for this variant (Variation ID: 537576). Experimental studies and prediction algorithms are not available or were not evaluated, and the functional significance of this variant is currently unknown. In summary, the available evidence is currently insufficient to determine the role of this variant in disease. Therefore, it has been classified as a Variant of Uncertain Significance.

Color Diagnostics, LLC DBA Color Health
Classification: Likely benign for Hereditary cancer-predisposing syndrome. Last evaluated: 2022-02-16. Review status: criteria provided, single submitter. Criteria: ACMG Guidelines, 2015. Collection method: clinical testing. Allele origin: germline.

Blueprint Genetics
Classification: Uncertain significance. Last evaluated: 2019-12-30. Review status: criteria provided, single submitter. Criteria: ACMG Guidelines, 2015. Collection method: clinical testing. Allele origin: germline.

GeneDx
Classification: Uncertain significance. Last evaluated: 2019-06-12. Review status: criteria provided, single submitter. Criteria: GeneDx Variant Classification Process June 2021. Collection method: clinical testing. Allele origin: germline. Affected: yes.
Comment: Has not been previously published as pathogenic or benign to our knowledge; No data available from control populations to assess the frequency of this variant

NM_001127511.3(APC):c.-126G>C

Gene: APC (APC regulator of Wnt signaling pathway; plus strand). Cytogenetic location: 5q22.2.
Variant type: single nucleotide variant.
Coding change: c.-126G>C on transcript NM_001127511.3; 126 bases upstream of the start codon, G replaced by C.
Molecular consequence: 5 prime UTR variant. On other transcripts: non-coding transcript variant (2), genic upstream transcript variant (1).
Genome position (GRCh38, 1-based): chr5:112,707,592, G>C. VCF-style: chr5-112707592-G-C. GRCh37 (hg19) VCF-style: chr5-112043289-G-C.
Other names: c.-309G>C (NM_001354895.2, NM_001407447.1, NM_001407452.1 and 3 more transcripts); c.-126G>C (NM_001354897.2, NM_001354902.2, NM_001407446.1); c.-76G>C (NM_001407448.1, NM_001407450.1, NM_001407457.1 and 1 more transcripts); c.-100G>C (NM_001407453.1); c.-1344G>C (NM_001407470.1, NM_001407472.1); c.-30352G>C (NM_000038.6).
Identifiers: ClinVar variation 537576 (VCV000537576.13), dbSNP rs948080320, ClinGen allele CA124925002.